The following is an entry in ClinVar:

ClinVar aggregate classification (germline): Likely benign (1 of 4 stars; one submission).

Conditions:
Leigh syndrome (NULS). Also called: Leigh's necrotizing encephalopathy; Leigh's disease; Leigh Syndrome (mtDNA deletion); Leigh Disease; Subacute necrotizing encephalopathy; Necrotizing encephalopathy infantile subacute of Leigh. Identifiers: Orphanet 506, MedGen C2931891, MONDO:0009723, OMIM 256000.

Submission:

Wong Mito Lab, Molecular and Human Genetics, Baylor College of Medicine
Classification: Likely benign for Leigh syndrome. Last evaluated: 2019-10-17. Review status: criteria provided, single submitter. Criteria: Modified ACMG Guidelines (Unpublished). Collection method: clinical testing. Allele origin: germline.
Comment: The NC_012920.1:m.8930C>T (YP_003024031.1:p.Thr135Met) variant in MTATP6 gene is interpretated to be a Likely Benign variant based on the modified ACMG guidelines (unpublished). This variant meets the following evidence codes: BS4, BP6

NC_012920.1(MT-ATP6):m.8930C>T

Gene: MT-ATP6 (mitochondrially encoded ATP synthase 6; plus strand).
Variant type: single nucleotide variant.
Genome position: chrM-8930-C-T.
Identifiers: ClinVar variation 693025 (VCV000693025.1), dbSNP rs1603221915, ClinGen allele CA414799014.